The following is an entry in ClinVar:

NM_206933.4(USH2A):c.9958+246A>C

Gene: USH2A (usherin; minus strand). Cytogenetic location: 1q41.
Variant type: single nucleotide variant.
Coding change: c.9958+246A>C on transcript NM_206933.4 (MANE Select); 246 bases into the intron after coding-DNA position 9958, A replaced by C.
Molecular consequence: intron variant.
Genome position (GRCh38, 1-based): chr1:215,798,661, T>G on the plus strand (A>C on the coding strand, the complement: USH2A is on the minus strand). VCF-style: chr1-215798661-T-G. GRCh37 (hg19) VCF-style: chr1-215972003-T-G.
Identifiers: ClinVar variation 678912 (VCV000678912.1), dbSNP rs11120635, ClinGen allele CA10823899.
Genomic context (GRCh38, chr1:215,798,661, plus strand): 5'-GTATACTATTTGCTAGGAAATATTCTTTTCATTCATAACCAATGCATTCATGTGTGGAAT[T>G]TTTTTTGGAGGACATGACCTTTTCAAGAGGAAAAAAAATTGATGCGTTTTTATGAAATAC-3'

ClinVar aggregate classification (germline): Benign (1 of 4 stars; one submission).

Allele frequency attached by ClinVar (database versions not stated): 1000 Genomes Project 0.35763; 1000 Genomes Project 30x 0.35978; gnomAD 0.41332 and 0.41458; TOPMed 0.41470.
gnomAD v4.1: 62,858 of 151,964 alleles (41%); highest among the groups gnomAD compares: Admixed American, 55%; 14,067 homozygotes.

Submission:

GeneDx
Classification: Benign. Last evaluated: 2018-06-14. Review status: criteria provided, single submitter. Criteria: GeneDx Variant Classification (06012015). Collection method: clinical testing. Allele origin: germline. Affected: yes.
Comment: This variant is considered likely benign or benign based on one or more of the following criteria: it is a conservative change, it occurs at a poorly conserved position in the protein, it is predicted to be benign by multiple in silico algorithms, and/or has population frequency not consistent with disease.